The following is an entry in ClinVar:

NM_001009944.3(PKD1):c.8272_8283del (p.Ala2758_Arg2761del)

Gene: PKD1 (polycystin 1, transient receptor potential channel interacting; minus strand). Cytogenetic location: 16p13.3.
Variant type: Deletion.
Coding change: c.8272_8283del on transcript NM_001009944.3 (MANE Select); coding-DNA positions 8272 to 8283, 12 bases deleted (GCCCTCATGCGC).
Protein change: p.Ala2758_Arg2761del.
Molecular consequence: inframe deletion.
Genome position (GRCh38, 1-based): chr16:2,103,774-2,103,785, GCGCATGAGGGC deleted on the plus strand (GCCCTCATGCGC on the coding strand, the reverse complement: PKD1 is on the minus strand). VCF-style (leftmost placement, unchanged base first): chr16-2103773-TGCGCATGAGGGC-T. GRCh37 (hg19) VCF-style: chr16-2153774-TGCGCATGAGGGC-T.
Other names: c.8272_8283del, p.Ala2758_Arg2761del (NM_000296.4).
Identifiers: ClinVar variation 3234051 (VCV003234051.2), dbSNP rs2544746064, ClinGen allele CA2825002370.

ClinVar aggregate classification (germline): Uncertain significance. Review status: criteria provided, multiple submitters, no conflicts (2 of 4 stars). 2 submissions from 2 submitters: Uncertain significance (2). Last evaluated 2025-06-06.

Conditions:
Polycystic kidney disease, adult type (PKD1). Also called: Polycystic Kidney Disease 1, Autosomal Dominant; Polycystic kidney disease 1; Polycystic kidney disease 1, severe; Polycystic Kidney, Autosomal Dominant; POLYCYSTIC KIDNEY DISEASE 1 WITH OR WITHOUT POLYCYSTIC LIVER DISEASE; POLYCYSTIC KIDNEY DISEASE, ADULT, TYPE I. Identifiers: MedGen C3149841, MONDO:0008263, OMIM 173900.

Submissions (2):

Centre of Medical Genetics, University Hospital Muenster
Classification: Uncertain significance. Last evaluated: 2025-06-06. Review status: criteria provided, single submitter. Criteria: ACMG Guidelines, 2015. Collection method: clinical testing. Allele origin: unknown. Affected: yes. Observed: 1 variant allele, 1 heterozygote.
Comment: ACMG categories: PM2,PM4

MVZ Medizinische Genetik Mainz
Classification: Uncertain significance for Polycystic kidney disease, adult type. Last evaluated: 2023-07-07. Review status: criteria provided, single submitter. Criteria: UK Practice Guidelines For Variant Classification V4 01 2020. Collection method: clinical testing. Allele origin: germline. Inheritance: Autosomal dominant inheritance. Affected: yes. Observed: 1 variant allele.
Comment: ACMG Criteria: PM4,PM2_SUP,PP3,PP4